The following is an entry in ClinVar:

ClinVar aggregate classification (germline): Uncertain significance (1 of 4 stars; one submission).

Submission:

Labcorp Genetics (formerly Invitae), Labcorp
Classification: Uncertain significance. Last evaluated: 2025-05-05. Review status: criteria provided, single submitter. Criteria: Invitae Variant Classification Sherloc (09022015). Collection method: clinical testing. Allele origin: germline.
Comment: This variant, c.3925_3954del, results in the deletion of 10 amino acid(s) of the RERE protein (p.Ile1309_Glu1318del), but otherwise preserves the integrity of the reading frame. The frequency data for this variant in the population databases is considered unreliable, as metrics indicate poor data quality at this position in the gnomAD database. This variant has not been reported in the literature in individuals affected with RERE-related conditions. Experimental studies and prediction algorithms are not available or were not evaluated, and the functional significance of this variant is currently unknown. In summary, the available evidence is currently insufficient to determine the role of this variant in disease. Therefore, it has been classified as a Variant of Uncertain Significance.

NM_001042681.2(RERE):c.3925_3954del (p.Ile1309_Glu1318del)

Gene: RERE (arginine-glutamic acid dipeptide repeats; minus strand). Cytogenetic location: 1p36.23.
Variant type: Deletion.
Coding change: c.3925_3954del on transcript NM_001042681.2 (MANE Select); coding-DNA positions 3925 to 3954, 30 bases deleted (ATCCGAGAGCGGGAGATCCGAGAGCGGGAG).
Protein change: p.Ile1309_Glu1318del.
Molecular consequence: inframe deletion.
Genome position (GRCh38, 1-based): chr1:8,358,581-8,358,610, CTCCCGCTCTCGGATCTCCCGCTCTCGGAT deleted on the plus strand (ATCCGAGAGCGGGAGATCCGAGAGCGGGAG on the coding strand, the reverse complement: RERE is on the minus strand); deleting any 30 consecutive bases within chr1:8,358,581-8,358,619 gives the same sequence; the c. name uses the placement nearest the transcript's 3' end. VCF-style (leftmost placement, unchanged base first): chr1-8358580-GCTCCCGCTCTCGGATCTCCCGCTCTCGGAT-G. GRCh37 (hg19) VCF-style: chr1-8418640-GCTCCCGCTCTCGGATCTCCCGCTCTCGGAT-G.
Other names: c.2263_2292del, p.Ile755_Glu764del (NM_001042682.2); c.3925_3954del, p.Ile1309_Glu1318del (NM_012102.4).
Identifiers: ClinVar variation 4749642 (VCV004749642.1).